The following is an entry in ClinVar:

NM_000455.5(STK11):c.632G>C (p.Arg211Pro)

Gene: STK11 (serine/threonine kinase 11; plus strand). Cytogenetic location: 19p13.3.
Variant type: single nucleotide variant.
Coding change: c.632G>C on transcript NM_000455.5 (MANE Select); coding-DNA position 632, G replaced by C.
Protein change: p.Arg211Pro; replaces arginine 211 with proline.
Molecular consequence: missense variant.
Genome position (GRCh38, 1-based): chr19:1,220,615, G>C. VCF-style: chr19-1220615-G-C. GRCh37 (hg19) VCF-style: chr19-1220614-G-C.
Other names: c.632G>C, p.Arg211Pro (NM_001407255.1); short protein forms R211P.
Identifiers: ClinVar variation 1713623 (VCV001713623.5), dbSNP rs730881982, ClinGen allele CA402949533.

ClinVar aggregate classification (germline): Uncertain significance (1 of 4 stars; one submission).

Conditions:
Peutz-Jeghers syndrome (PJS). Also called: Peutz-Jeghers polyposis; Periorificial lentiginosis syndrome; POLYPOSIS, HAMARTOMATOUS INTESTINAL; POLYPS-AND-SPOTS SYNDROME. Identifiers: Orphanet 2869, MedGen C0031269, MeSH D010580, MONDO:0008280, OMIM 175200.

Submission:

Labcorp Genetics (formerly Invitae), Labcorp
Classification: Uncertain significance for Peutz-Jeghers syndrome. Last evaluated: 2022-07-23. Review status: criteria provided, single submitter. Criteria: Invitae Variant Classification Sherloc (09022015). Collection method: clinical testing. Allele origin: germline.
Comment: In summary, the available evidence is currently insufficient to determine the role of this variant in disease. Therefore, it has been classified as a Variant of Uncertain Significance. Advanced modeling of protein sequence and biophysical properties (such as structural, functional, and spatial information, amino acid conservation, physicochemical variation, residue mobility, and thermodynamic stability) performed at Invitae indicates that this missense variant is expected to disrupt STK11 protein function. This variant has not been reported in the literature in individuals affected with STK11-related conditions. This variant is not present in population databases (gnomAD no frequency). This sequence change replaces arginine, which is basic and polar, with proline, which is neutral and non-polar, at codon 211 of the STK11 protein (p.Arg211Pro).